The following is an entry in ClinVar:

ClinVar aggregate classification (germline): Conflicting classifications of pathogenicity. Review status: criteria provided, conflicting classifications (1 of 4 stars). 7 submissions from 7 submitters: Uncertain significance (1); Benign (3); Likely benign (3). Last evaluated 2026-09-03.

Conditions:
PALLD-related disorder. Also called: PALLD-related condition.
Pancreatic adenocarcinoma. Identifiers: MedGen C0281361, MONDO:0006047, HP:0006725.
Pancreatic cancer, susceptibility to, 1. Identifiers: Orphanet 1333, MedGen C1847351, MONDO:0011739, OMIM 606856.

Allele frequency attached by ClinVar (database versions not stated): gnomAD exomes 0.00205 and 0.00104; 1000 Genomes Project 30x 0.00016; 1000 Genomes Project 0.00020; ExAC 0.00101; gnomAD 0.00102; TOPMed 0.00107; ESP Exome Variant Server 0.00185.
gnomAD v4.1: 3,101 of 1,614,134 alleles (0.19%); highest among the groups gnomAD compares: Non-Finnish European, 0.25%; 5 homozygotes.

Submissions (7):

PreventionGenetics, part of Exact Sciences
Classification: Likely benign for PALLD-related condition. Last evaluated: 2026-09-03. Review status: criteria provided, single submitter. Criteria: ACMG Guidelines, 2015. Collection method: clinical testing. Allele origin: germline.
Comment: This variant is classified as likely benign based on ACMG/AMP sequence variant interpretation guidelines (Richards et al. 2015 PMID: 25741868, with internal and published modifications).

Labcorp Genetics (formerly Invitae), Labcorp
Classification: Likely benign for Pancreatic adenocarcinoma. Last evaluated: 2026-01-26. Review status: criteria provided, single submitter. Criteria: Invitae Variant Classification Sherloc (09022015). Collection method: clinical testing. Allele origin: germline.

KCCC/NGS Laboratory, Kuwait Cancer Control Center
Classification: Benign for Pancreatic cancer, susceptibility to, 1. Last evaluated: 2025-02-01. Review status: criteria provided, single submitter. Criteria: ACMG Guidelines, 2015. Collection method: clinical testing. Allele origin: germline. Affected: no.

Blueprint Genetics
Classification: Likely benign. Last evaluated: 2024-10-29. Review status: criteria provided, single submitter. Criteria: ACMG Guidelines, 2015. Collection method: clinical testing. Allele origin: germline.

CeGaT Center for Human Genetics Tuebingen
Classification: Benign. Last evaluated: 2024-10-01. Review status: criteria provided, single submitter. Criteria: CeGaT Center For Human Genetics Tuebingen Variant Classification Criteria Version 2. Collection method: clinical testing. Allele origin: germline. Affected: yes. Observed: 2 variant alleles.
Comment: PALLD: BS1, BS2

Ambry Genetics
Classification: Uncertain significance. Last evaluated: 2022-09-12. Review status: criteria provided, single submitter. Criteria: Ambry Variant Classification Scheme 2023. Collection method: clinical testing. Allele origin: germline.
Comment: The p.M781T variant (also known as c.2342T>C), located in coding exon 12 of the PALLD gene, results from a T to C substitution at nucleotide position 2342. The methionine at codon 781 is replaced by threonine, an amino acid with similar properties. This amino acid position is conserved. In addition, this alteration is predicted to be tolerated by in silico analysis. Since supporting evidence is limited at this time, the clinical significance of this alteration remains unclear.

Illumina Laboratory Services, Illumina
Classification: Benign for Pancreatic cancer, susceptibility to, 1. Last evaluated: 2018-01-13. Review status: criteria provided, single submitter. Criteria: ICSL Variant Classification Criteria 13 December 2019. Collection method: clinical testing. Allele origin: germline.
Comment: This variant was observed in the ICSL laboratory as part of a predisposition screen in an ostensibly healthy population. It had not been previously curated by ICSL or reported in the Human Gene Mutation Database (HGMD: prior to June 1st, 2018), and was therefore a candidate for classification through an automated scoring system. Utilizing variant allele frequency, disease prevalence and penetrance estimates, and inheritance mode, an automated score was calculated to assess if this variant is too frequent to cause the disease. Based on the score and internal cut-off values, a variant classified as benign is not then subjected to further curation. The score for this variant resulted in a classification of benign for this disease.

NM_001166108.2(PALLD):c.2393T>C (p.Met798Thr)

Genes: CBR4 (carbonyl reductase 4; minus strand), PALLD (palladin, cytoskeletal associated protein; plus strand). Cytogenetic location: 4q32.3.
Variant type: single nucleotide variant.
Coding change: c.2393T>C on transcript NM_001166108.2 (MANE Select); coding-DNA position 2393, T replaced by C.
Protein change: p.Met798Thr; replaces methionine 798 with threonine.
Molecular consequence: missense variant.
Genome position (GRCh38, 1-based): chr4:168,898,635, T>C. VCF-style: chr4-168898635-T-C. GRCh37 (hg19) VCF-style: chr4-169819786-T-C.
Other names: c.1196T>C, p.Met399Thr (NM_001166109.2); c.881T>C, p.Met294Thr (NM_001166110.2); c.221T>C, p.Met74Thr (NM_001367567.1, NM_001367569.1); c.272T>C, p.Met91Thr (NM_001367568.1, NM_001367570.1); c.2342T>C, p.Met781Thr (NM_016081.4); short protein forms M781T, M294T, M798T, M399T, M91T, M74T.
Identifiers: ClinVar variation 136014 (VCV000136014.54), dbSNP rs142116575, ClinGen allele CA332755.